The following is an entry in ClinVar:

ClinVar aggregate classification (germline): Uncertain significance (1 of 4 stars; one submission).

Submission:

Greenwood Genetic Center Diagnostic Laboratories, Greenwood Genetic Center
Classification: Uncertain significance. Last evaluated: 2024-11-04. Review status: criteria provided, single submitter. Criteria: ACMG Guidelines, 2015. Collection method: clinical testing. Allele origin: germline. Affected: yes.
Comment: PM2, PP2

NM_001303256.3(MORC2):c.178G>A (p.Gly60Arg)

Gene: MORC2 (MORC family CW-type zinc finger 2; minus strand). Cytogenetic location: 22q12.2.
Variant type: single nucleotide variant.
Coding change: c.178G>A on transcript NM_001303256.3 (MANE Select); coding-DNA position 178, G replaced by A.
Protein change: p.Gly60Arg; replaces glycine 60 with arginine.
Molecular consequence: missense variant. On other transcripts: 5 prime UTR variant (1).
Genome position (GRCh38, 1-based): chr22:30,950,425, C>T on the plus strand (G>A on the coding strand, the complement: MORC2 is on the minus strand). VCF-style: chr22-30950425-C-T. GRCh37 (hg19) VCF-style: chr22-31346411-C-T.
Other names: c.178G>A, p.Gly60Arg (NM_001303257.2); c.-9G>A (NM_014941.3); short protein forms G60R.
Identifiers: ClinVar variation 3765743 (VCV003765743.1).